The following is an entry in ClinVar:

ClinVar aggregate classification (germline): Uncertain significance (1 of 4 stars; one submission).

Submission:

GeneDx
Classification: Uncertain significance. Last evaluated: 2025-03-04. Review status: criteria provided, single submitter. Criteria: GeneDx Variant Classification Process June 2021. Collection method: clinical testing. Allele origin: germline. Affected: yes.
Comment: Not observed at significant frequency in large population cohorts (gnomAD); In silico analysis supports that this missense variant has a deleterious effect on protein structure/function; Has not been previously published as pathogenic or benign to our knowledge

NM_006265.3(RAD21):c.434T>G (p.Met145Arg)

Gene: RAD21 (RAD21 cohesin complex component; minus strand). Cytogenetic location: 8q24.11.
Variant type: single nucleotide variant.
Coding change: c.434T>G on transcript NM_006265.3 (MANE Select); coding-DNA position 434, T replaced by G.
Protein change: p.Met145Arg; replaces methionine 145 with arginine.
Molecular consequence: missense variant.
Genome position (GRCh38, 1-based): chr8:116,858,399, A>C on the plus strand (T>G on the coding strand, the complement: RAD21 is on the minus strand). VCF-style: chr8-116858399-A-C. GRCh37 (hg19) VCF-style: chr8-117870638-A-C.
Other names: short protein forms M145R.
Identifiers: ClinVar variation 4082854 (VCV004082854.1).